The following is an entry in ClinVar:

ClinVar aggregate classification (germline): Uncertain significance (0 of 4 stars; one submission).

Conditions:
SCN1B-related disorder. Also called: SCN1B-related condition; SCN1B-Related Disorders.

Submission:

PreventionGenetics, part of Exact Sciences
Classification: Uncertain significance for SCN1B-related condition. Last evaluated: 2023-12-06. Review status: no assertion criteria provided. Collection method: clinical testing. Allele origin: germline.
Comment: The SCN1B c.251A>G variant is predicted to result in the amino acid substitution p.Glu84Gly. To our knowledge, this variant has not been reported in the literature or in a large population database, indicating this variant is rare. Of note, missense variants at an adjacent amino acid (p.Arg85Cys, p.Arg85His) has been documented as pathogenic (Scheffer et al. 2007. PubMed ID: 17020904). At this time, the clinical significance of this variant is uncertain due to the absence of conclusive functional and genetic evidence.

NM_001037.5(SCN1B):c.251A>G (p.Glu84Gly)

Gene: SCN1B (sodium voltage-gated channel beta subunit 1; plus strand). Cytogenetic location: 19q13.11.
Variant type: single nucleotide variant.
Coding change: c.251A>G on transcript NM_001037.5 (MANE Select); coding-DNA position 251, A replaced by G.
Protein change: p.Glu84Gly; replaces glutamic acid 84 with glycine.
Molecular consequence: missense variant.
Genome position (GRCh38, 1-based): chr19:35,033,542, A>G. VCF-style: chr19-35033542-A-G. GRCh37 (hg19) VCF-style: chr19-35524446-A-G.
Other names: c.152A>G, p.Glu51Gly (NM_001321605.2); c.251A>G, p.Glu84Gly (NM_199037.5); short protein forms E51G, E84G.
Identifiers: ClinVar variation 3033894 (VCV003033894.2), dbSNP rs2514234365, ClinGen allele CA405328614.